The following is an entry in ClinVar:

ClinVar aggregate classification (germline): Uncertain significance (1 of 4 stars; one submission).

Submission:

Ambry Genetics
Classification: Uncertain significance. Last evaluated: 2021-09-27. Review status: criteria provided, single submitter. Criteria: Ambry Variant Classification Scheme 2023. Collection method: clinical testing. Allele origin: germline.
Comment: The p.R83I variant (also known as c.248G>T), located in coding exon 4 of the RPS20 gene, results from a G to T substitution at nucleotide position 248. The arginine at codon 83 is replaced by isoleucine, an amino acid with similar properties. This amino acid position is conserved. In addition, this alteration is predicted to be deleterious by in silico analysis. Since supporting evidence is limited at this time, the clinical significance of this alteration remains unclear.

NM_001023.4(RPS20):c.248G>T (p.Arg83Ile)

Gene: RPS20 (ribosomal protein S20; minus strand). Cytogenetic location: 8q12.1.
Variant type: single nucleotide variant.
Coding change: c.248G>T on transcript NM_001023.4 (MANE Select); coding-DNA position 248, G replaced by T.
Protein change: p.Arg83Ile; replaces arginine 83 with isoleucine.
Molecular consequence: missense variant.
Genome position (GRCh38, 1-based): chr8:56,073,202, C>A on the plus strand (G>T on the coding strand, the complement: RPS20 is on the minus strand). VCF-style: chr8-56073202-C-A. GRCh37 (hg19) VCF-style: chr8-56985761-C-A.
Other names: c.248G>T, p.Arg83Ile (NM_001146227.3); short protein forms R83I.
Identifiers: ClinVar variation 1792049 (VCV001792049.2), dbSNP rs2486981982, ClinGen allele CA371283014.
Genomic context (GRCh38, chr8:56,073,202, plus strand): 5'-GAAGTAATCTGCTTAACAATCTCAGAAGGACTGTGCAAGTCAATGAGTCGCTTGTGAATT[C>A]TCATCTGGAAACGATCCCACGTCTTAGAACCTTCACCACAAGGAGTTTTTCTTGTAGTGA-3'
Protein context (NP_001014.1, residues 73-93): GSKTWDRFQM[Arg83Ile]IHKRLIDLHS